The following is an entry in ClinVar:

ClinVar aggregate classification (germline): Likely benign (0 of 4 stars; one submission).

Conditions:
RAI1-related disorder. Also called: RAI1-related condition.

gnomAD v4.1: 1 of 1,613,600 alleles (0.000062%); highest among the groups gnomAD compares: Non-Finnish European, 0.000085%; no homozygotes.

Submission:

PreventionGenetics, part of Exact Sciences
Classification: Likely benign for RAI1-related condition. Last evaluated: 2024-05-10. Review status: no assertion criteria provided. Collection method: clinical testing. Allele origin: germline.
Comment: This variant is classified as likely benign based on ACMG/AMP sequence variant interpretation guidelines (Richards et al. 2015 PMID: 25741868, with internal and published modifications).

NM_030665.4(RAI1):c.4563G>A (p.Arg1521=)

Gene: RAI1 (retinoic acid induced 1; plus strand). Cytogenetic location: 17p11.2.
Variant type: single nucleotide variant.
Coding change: c.4563G>A on transcript NM_030665.4 (MANE Select); coding-DNA position 4563, G replaced by A.
Protein change: p.Arg1521=; no amino-acid change (arginine 1521 retained).
Molecular consequence: synonymous variant.
Genome position (GRCh38, 1-based): chr17:17,797,511, G>A. VCF-style: chr17-17797511-G-A. GRCh37 (hg19) VCF-style: chr17-17700825-G-A.
Identifiers: ClinVar variation 3358017 (VCV003358017.1).